The following is an entry in ClinVar:

ClinVar aggregate classification (germline): Uncertain significance (1 of 4 stars; one submission).

gnomAD v4.1: 4 of 1,610,570 alleles (0.00025%); highest among the groups gnomAD compares: African/African-American, 0.004%; no homozygotes.

Submission:

Labcorp Genetics (formerly Invitae), Labcorp
Classification: Uncertain significance. Last evaluated: 2025-05-03. Review status: criteria provided, single submitter. Criteria: Invitae Variant Classification Sherloc (09022015). Collection method: clinical testing. Allele origin: germline.
Comment: This sequence change replaces leucine, which is neutral and non-polar, with phenylalanine, which is neutral and non-polar, at codon 814 of the ADCY1 protein (p.Leu814Phe). This variant is present in population databases (no rsID available, gnomAD 0.01%). This variant has not been reported in the literature in individuals affected with ADCY1-related conditions. Invitae Evidence Modeling of protein sequence and biophysical properties (such as structural, functional, and spatial information, amino acid conservation, physicochemical variation, residue mobility, and thermodynamic stability) indicates that this missense variant is expected to disrupt ADCY1 protein function with a positive predictive value of 80%. In summary, the available evidence is currently insufficient to determine the role of this variant in disease. Therefore, it has been classified as a Variant of Uncertain Significance.

NM_021116.4(ADCY1):c.2440C>T (p.Leu814Phe)

Gene: ADCY1 (adenylate cyclase 1; plus strand). Cytogenetic location: 7p12.3.
Variant type: single nucleotide variant.
Coding change: c.2440C>T on transcript NM_021116.4 (MANE Select); coding-DNA position 2440, C replaced by T.
Protein change: p.Leu814Phe; replaces leucine 814 with phenylalanine.
Molecular consequence: missense variant.
Genome position (GRCh38, 1-based): chr7:45,686,659, C>T. VCF-style: chr7-45686659-C-T. GRCh37 (hg19) VCF-style: chr7-45726258-C-T.
Other names: short protein forms L814F.
Identifiers: ClinVar variation 4698514 (VCV004698514.1).
Genomic context (GRCh38, chr7:45,686,659, plus strand): 5'-TTCTCCTGTGCGCTGGCCCTGCATGCCAGGCAGGTGGACATCAGGCTGAGGCTGGACTAC[C>T]TCTGGGCCGCACAGGCAAGACGAGCCCTTTCTGCTTTCTGGGGGTGGGGGATTTAGAGGA-3'
Protein context (NP_066939.1, residues 804-824): QVDIRLRLDY[Leu814Phe]WAAQAEEERE